The following is an entry in ClinVar:

ClinVar aggregate classification (germline): Pathogenic/Likely pathogenic. Review status: criteria provided, multiple submitters, no conflicts (2 of 4 stars). 3 submissions from 3 submitters: Pathogenic (1); Likely pathogenic (2). Last evaluated 2025-01-01.

Conditions:
Achondrogenesis, type IB (ACG1B). Also called: Achondrogenesis Type 1B. Identifiers: Orphanet 932, Orphanet 93298, MedGen C0265274, MONDO:0010966, OMIM 600972.
Atelosteogenesis type II (AO2). Also called: NEONATAL OSSEOUS DYSPLASIA I; Neonatal osseous dysplasia 1; SLC26A2-Related Atelosteogenesis. Identifiers: Orphanet 56304, MedGen C1850554, MONDO:0009727, OMIM 256050.
Diastrophic dysplasia (DTD). Also called: Diastrophic dwarfism. Identifiers: Orphanet 628, MedGen C0220726, MONDO:0009107, OMIM 222600.
Multiple epiphyseal dysplasia type 4 (EDM4). Also called: SLC26A2-Related Multiple Epiphyseal Dysplasia; Multiple Epiphyseal Dysplasia, Recessive; MULTIPLE EPIPHYSEAL DYSPLASIA WITH BILAYERED PATELLAE; MULTIPLE EPIPHYSEAL DYSPLASIA WITH CLUBFOOT; MULTIPLE EPIPHYSEAL DYSPLASIA, AUTOSOMAL RECESSIVE. Identifiers: Orphanet 93307, MedGen C1847593, MONDO:0009189, OMIM 226900.

Submissions (3):

Natera, Inc.
Classification: Likely pathogenic for Achondrogenesis type IB. Last evaluated: 2025-01-01. Review status: criteria provided, single submitter. Criteria: Natera Variant Classification Schema (03/2026). Collection method: clinical testing. Allele origin: germline.
Comment: The c.1397dupT variant in SLC26A2 is a frameshift variant predicted to shift the reading frame beginning at codon 466 and leads to a stop codon 32 codons downstream. This variant is expected to result in nonsense mediated decay, truncation, or a dysfunctional protein product. This variant is rare in the general population with a frequency below the threshold expected for the associated phenotype(s). Given the available evidence, this variant is classified as Likely Pathogenic.

Baylor Genetics
Classification: Likely pathogenic for Achondrogenesis, type IB. Last evaluated: 2022-05-21. Review status: criteria provided, single submitter. Criteria: ACMG Guidelines, 2015. Collection method: clinical testing. Allele origin: unknown.

Labcorp Genetics (formerly Invitae), Labcorp
Classification: Pathogenic for Atelosteogenesis type II; Multiple epiphyseal dysplasia type 4; Achondrogenesis, type IB; Diastrophic dysplasia. Last evaluated: 2021-02-18. Review status: criteria provided, single submitter. Criteria: Invitae Variant Classification Sherloc (09022015). Collection method: clinical testing. Allele origin: germline.
Comment: This variant is not present in population databases (ExAC no frequency). For these reasons, this variant has been classified as Pathogenic. This variant disrupts the C-terminus of the SLC26A2 protein. Other variant(s) that disrupt this region (p.Lys575Serfs*10) have been determined to be pathogenic (PMID: 7923357, 8528239, 8571951). This suggests that variants that disrupt this region of the protein are likely to be causative of disease. This variant has not been reported in the literature in individuals with SLC26A2-related conditions. This sequence change creates a premature translational stop signal (p.Leu466Phefs*32) in the SLC26A2 gene. While this is not anticipated to result in nonsense mediated decay, it is expected to disrupt the last 274 amino acid(s) of the SLC26A2 protein.

Literature cited by the submitters: PubMed 7923357 (cited by Labcorp Genetics (formerly Invitae), Labcorp); PubMed 8528239 (cited by Labcorp Genetics (formerly Invitae), Labcorp); PubMed 8571951 (cited by Labcorp Genetics (formerly Invitae), Labcorp).

NM_000112.4(SLC26A2):c.1397dup (p.Leu466fs)

Gene: SLC26A2 (solute carrier family 26 member 2; plus strand). Cytogenetic location: 5q32.
Variant type: Duplication.
Coding change: c.1397dup on transcript NM_000112.4 (MANE Select); coding-DNA position 1397, one base duplicated (T; older notation c.1397dupT).
Protein change: p.Leu466fs; shifts the reading frame from leucine 466.
Molecular consequence: frameshift variant.
Genome position (GRCh38, 1-based): chr5:149,980,990, T duplicated; the last of 2 consecutive T bases (chr5:149,980,989-149,980,990); duplicating either gives the same sequence. VCF-style (leftmost placement, unchanged base first): chr5-149980988-G-GT. GRCh37 (hg19) VCF-style: chr5-149360551-G-GT.
Other names: c.1397dupT (NM_000112.3); short protein forms L466fs.
Identifiers: ClinVar variation 1378416 (VCV001378416.10), dbSNP rs1755088251, ClinGen allele CA1590738600.